The following is an entry in ClinVar:

ClinVar aggregate classification (germline): Uncertain significance (1 of 4 stars; one submission).

Conditions:
Cardiovascular phenotype. Identifiers: MedGen CN230736.

Submission:

Ambry Genetics
Classification: Uncertain significance for Cardiovascular phenotype. Last evaluated: 2026-05-23. Review status: criteria provided, single submitter. Criteria: Ambry Variant Classification Scheme 2023. Collection method: clinical testing. Allele origin: germline.
Comment: The p.A1903T variant (also known as c.5707G>A), located in coding exon 14 of the ALPK3 gene, results from a G to A substitution at nucleotide position 5707. The alanine at codon 1903 is replaced by threonine, an amino acid with similar properties. This amino acid position is conserved. In addition, this alteration is predicted to be tolerated by in silico analysis. Based on the available evidence, the clinical significance of this variant remains unclear.

NM_020778.5(ALPK3):c.5101G>A (p.Ala1701Thr)

Gene: ALPK3 (alpha kinase 3; plus strand). Cytogenetic location: 15q25.3.
Variant type: single nucleotide variant.
Coding change: c.5101G>A on transcript NM_020778.5 (MANE Select); coding-DNA position 5101, G replaced by A.
Protein change: p.Ala1701Thr; replaces alanine 1701 with threonine.
Molecular consequence: missense variant.
Genome position (GRCh38, 1-based): chr15:84,868,439, G>A. VCF-style: chr15-84868439-G-A. GRCh37 (hg19) VCF-style: chr15-85411670-G-A.
Other names: short protein forms A1701T.
Identifiers: ClinVar variation 4871312 (VCV004871312.1).